The following is an entry in ClinVar:

NM_000531.6(OTC):c.791C>A (p.Thr264Asn)

Gene: OTC (ornithine transcarbamylase; plus strand). Cytogenetic location: Xp11.4.
Variant type: single nucleotide variant.
Coding change: c.791C>A on transcript NM_000531.6 (MANE Select); coding-DNA position 791, C replaced by A.
Protein change: p.Thr264Asn; replaces threonine 264 with asparagine.
Molecular consequence: missense variant.
Genome position (GRCh38, 1-based): chrX:38,408,949, C>A. VCF-style: chrX-38408949-C-A. GRCh37 (hg19) VCF-style: chrX-38268202-C-A.
Other names: short protein forms T264N.
Identifiers: ClinVar variation 97327 (VCV000097327.2), dbSNP rs67156896, ClinGen allele CA224790.
Genomic context (GRCh38, chrX:38,408,949, plus strand): 5'-TGTTGCTGACAAATGATCCATTGGAAGCAGCGCATGGAGGCAATGTATTAATTACAGACA[C>A]TTGGATAAGCATGGGACAAGAAGAGGAGAAGAAAAAGCGGCTCCAGGCTTTCCAAGGTTA-3'
Protein context (NP_000522.3, residues 254-274): AHGGNVLITD[Thr264Asn]WISMGQEEEK

ClinVar aggregate classification (germline): Pathogenic (0 of 4 stars; one submission).

Submission:

GenMed Metabolism Lab
Classification: Pathogenic. Review status: no assertion criteria provided. Collection method: not provided. Allele origin: unknown.
Comment: p.Thr264Asn, Not reported
ClinVar note: Converted during submission from pathogenic to Pathogenic.